The following is an entry in ClinVar:

NM_001853.4(COL9A3):c.*9G>A

Gene: COL9A3 (collagen type IX alpha 3 chain; plus strand). Cytogenetic location: 20q13.33.
Variant type: single nucleotide variant.
Coding change: c.*9G>A on transcript NM_001853.4 (MANE Select); 9 bases downstream of the stop codon, G replaced by A.
Molecular consequence: 3 prime UTR variant.
Genome position (GRCh38, 1-based): chr20:62,840,741, G>A. VCF-style: chr20-62840741-G-A. GRCh37 (hg19) VCF-style: chr20-61472093-G-A.
Other names: c.*9G>A (LRG_1253t1).
Identifiers: ClinVar variation 258401 (VCV000258401.9), dbSNP rs116108376, ClinGen allele CA9950302.

ClinVar aggregate classification (germline): Benign/Likely benign. Review status: criteria provided, multiple submitters, no conflicts (2 of 4 stars). 3 submissions from 3 submitters: Benign (1); Likely benign (2). Last evaluated 2022-06-03.

Allele frequency attached by ClinVar (database versions not stated): gnomAD exomes 0.00238; gnomAD 0.00986 and 0.00932; 1000 Genomes Project 0.01158; ESP Exome Variant Server 0.00876; TOPMed 0.01014; ExAC 0.00555; 1000 Genomes Project 30x 0.01312.
gnomAD v4.1: 2,741 of 1,558,860 alleles (0.18%); highest among the groups gnomAD compares: African/African-American, 3.4%; 51 homozygotes.

Submissions (3):

GeneDx
Classification: Likely benign. Last evaluated: 2022-06-03. Review status: criteria provided, single submitter. Criteria: GeneDx Variant Classification Process June 2021. Collection method: clinical testing. Allele origin: germline. Affected: yes.
Comment: See Variant Classification Assertion Criteria.

Breakthrough Genomics
Classification: Likely benign. Review status: criteria provided, single submitter. Criteria: ACMG Guidelines, 2015. Collection method: not provided. Allele origin: germline. Inheritance: Autosomal recessive inheritance. Affected: yes.

PreventionGenetics, part of Exact Sciences
Classification: Benign. Review status: criteria provided, single submitter. Criteria: ACMG Guidelines, 2015. Collection method: clinical testing. Allele origin: germline.